The following is an entry in ClinVar:

ClinVar aggregate classification (germline): Uncertain significance. Review status: criteria provided, multiple submitters, no conflicts (2 of 4 stars). 3 submissions from 3 submitters: Uncertain significance (3). Last evaluated 2026-09-10.

Conditions:
Ehlers-Danlos syndrome, classic type, 1 (EDSCL1). Also called: EDS I; EHLERS-DANLOS SYNDROME, GRAVIS TYPE; EHLERS-DANLOS SYNDROME, SEVERE CLASSIC TYPE; Ehlers-Danlos Syndrome, Classic Type, COL5A1-Related; Ehlers-Danlos syndrome, type 1. Identifiers: MedGen C0268335, MONDO:0019567, OMIM 130000.
Osteogenesis imperfecta type I (OI1). Also called: OI, TYPE I; OSTEOGENESIS IMPERFECTA TARDA; OSTEOGENESIS IMPERFECTA WITH BLUE SCLERAE; Osteogenesis imperfecta type 1; Classic Non-deforming Osteogenesis Imperfecta with Blue Sclerae; Lobstein's Disease. Identifiers: Orphanet 216796, Orphanet 666, MedGen C0023931, MONDO:0008146, OMIM 166200. Disease mechanism: loss of function.
Cardiovascular phenotype. Identifiers: MedGen CN230736.

Allele frequency attached by ClinVar (database versions not stated): gnomAD exomes 0.00001.
gnomAD v4.1: 11 of 1,613,470 alleles (0.00068%); highest among the groups gnomAD compares: Non-Finnish European, 0.00093%; no homozygotes.

Submissions (3):

Ambry Genetics
Classification: Uncertain significance for Cardiovascular phenotype. Last evaluated: 2026-09-10. Review status: criteria provided, single submitter. Criteria: Ambry Variant Classification Scheme 2023. Collection method: clinical testing. Allele origin: germline.
Comment: The c.531A>C (p.K177N) alteration is located in exon 11 (coding exon 11) of the COL1A2 gene. This alteration results from a A to C substitution at nucleotide position 531, causing the lysine (K) at amino acid position 177 to be replaced by an asparagine (N). Based on data from gnomAD, the C allele has an overall frequency of 0.001% (2/251434) total alleles studied. The highest observed frequency was 0.002% (2/113722) of European (non-Finnish) alleles. Based on insufficient or conflicting evidence, the clinical significance of this alteration remains unclear.

GeneDx
Classification: Uncertain significance. Last evaluated: 2026-08-06. Review status: criteria provided, single submitter. Criteria: GeneDx Variant Classification Process June 2021. Collection method: clinical testing. Allele origin: germline.
Comment: Not observed at significant frequency in large population cohorts (gnomAD); In silico analysis supports that this missense variant has a deleterious effect on protein structure/function; Has not been previously published as pathogenic or benign to our knowledge; Occurs in the triple helical domain at the Y position in the canonical Gly-X-Y repeat; although this variant may have an effect on normal protein folding and function, missense substitution at the Y position is not a common mechanism of disease (HGMD)

Labcorp Genetics (formerly Invitae), Labcorp
Classification: Uncertain significance for Osteogenesis imperfecta type I; Ehlers-Danlos syndrome, classic type, 1. Last evaluated: 2025-12-24. Review status: criteria provided, single submitter. Criteria: Invitae Variant Classification Sherloc (09022015). Collection method: clinical testing. Allele origin: germline.
Comment: This sequence change replaces lysine, which is basic and polar, with asparagine, which is neutral and polar, at codon 177 of the COL1A2 protein (p.Lys177Asn). This variant is present in population databases (no rsID available, gnomAD 0.002%). This variant has not been reported in the literature in individuals affected with COL1A2-related conditions. ClinVar contains an entry for this variant (Variation ID: 2159675). Invitae Evidence Modeling of protein sequence and biophysical properties (such as structural, functional, and spatial information, amino acid conservation, physicochemical variation, residue mobility, and thermodynamic stability) indicates that this missense variant is expected to disrupt COL1A2 protein function with a positive predictive value of 95%. In summary, the available evidence is currently insufficient to determine the role of this variant in disease. Therefore, it has been classified as a Variant of Uncertain Significance.

NM_000089.4(COL1A2):c.531A>C (p.Lys177Asn)

Gene: COL1A2 (collagen type I alpha 2 chain; plus strand). Cytogenetic location: 7q21.3.
Variant type: single nucleotide variant.
Coding change: c.531A>C on transcript NM_000089.4 (MANE Select); coding-DNA position 531, A replaced by C.
Protein change: p.Lys177Asn; replaces lysine 177 with asparagine.
Molecular consequence: missense variant.
Genome position (GRCh38, 1-based): chr7:94,405,717, A>C. VCF-style: chr7-94405717-A-C. GRCh37 (hg19) VCF-style: chr7-94035029-A-C.
Other names: short protein forms K177N.
Identifiers: ClinVar variation 2159675 (VCV002159675.7), dbSNP rs1427359812, ClinGen allele CA368219969.